The following is an entry in ClinVar:

NM_001983.4(ERCC1):c.375C>T (p.Asp125=)

Gene: ERCC1 (ERCC excision repair 1, endonuclease non-catalytic subunit; minus strand). Cytogenetic location: 19q13.32.
Variant type: single nucleotide variant.
Coding change: c.375C>T on transcript NM_001983.4 (MANE Select); coding-DNA position 375, C replaced by T.
Protein change: p.Asp125=; no amino-acid change (aspartic acid 125 retained).
Molecular consequence: synonymous variant.
Genome position (GRCh38, 1-based): chr19:45,420,374, G>A on the plus strand (C>T on the coding strand, the complement: ERCC1 is on the minus strand). VCF-style: chr19-45420374-G-A. GRCh37 (hg19) VCF-style: chr19-45923632-G-A.
Other names: c.375C>T, p.Asp125= (NM_001166049.2, NM_001369408.1, NM_001369409.1 and 11 more transcripts).
Identifiers: ClinVar variation 769022 (VCV000769022.33), dbSNP rs112246053, ClinGen allele CA9515465.

ClinVar aggregate classification (germline): Benign/Likely benign. Review status: criteria provided, multiple submitters, no conflicts (2 of 4 stars). 4 submissions from 4 submitters: Benign (1); Likely benign (2). 1 of the submissions does not count toward it. Last evaluated 2025-11-01.

Conditions:
ERCC1-related disorder. Also called: ERCC1-related condition.

Allele frequency attached by ClinVar (database versions not stated): gnomAD exomes 0.00010 and 0.00024; 1000 Genomes Project 30x 0.00016; 1000 Genomes Project 0.00020; ExAC 0.00034; gnomAD 0.00074 and 0.00076; TOPMed 0.00075; ESP Exome Variant Server 0.00085.
gnomAD v4.1: 298 of 1,613,900 alleles (0.018%); highest among the groups gnomAD compares: African/African-American, 0.24%; 2 homozygotes.

Submissions (4):

CeGaT Center for Human Genetics Tuebingen
Classification: Likely benign. Last evaluated: 2025-11-01. Review status: criteria provided, single submitter. Criteria: CeGaT Center For Human Genetics Tuebingen Variant Classification Criteria Version 2. Collection method: clinical testing. Allele origin: germline. Affected: yes. Observed: 4 variant alleles.
Comment: ERCC1: BP4, BP7

Labcorp Genetics (formerly Invitae), Labcorp
Classification: Benign. Last evaluated: 2025-09-15. Review status: criteria provided, single submitter. Criteria: Invitae Variant Classification Sherloc (09022015). Collection method: clinical testing. Allele origin: germline.

Blueprint Genetics
Classification: Likely benign. Last evaluated: 2024-11-13. Review status: criteria provided, single submitter. Criteria: ACMG Guidelines, 2015. Collection method: clinical testing. Allele origin: germline.

PreventionGenetics, part of Exact Sciences
Classification: Likely benign for ERCC1-related condition. Last evaluated: 2019-03-20. Review status: no assertion criteria provided. Collection method: clinical testing. Allele origin: germline. Not counted in ClinVar's aggregate classification.
Comment: This variant is classified as likely benign based on ACMG/AMP sequence variant interpretation guidelines (Richards et al. 2015 PMID: 25741868, with internal and published modifications).